The following is an entry in ClinVar:

NM_000038.6(APC):c.3079T>C (p.Tyr1027His)

Gene: APC (APC regulator of Wnt signaling pathway; plus strand). Cytogenetic location: 5q22.2.
Variant type: single nucleotide variant.
Coding change: c.3079T>C on transcript NM_000038.6 (MANE Select); coding-DNA position 3079, T replaced by C.
Protein change: p.Tyr1027His; replaces tyrosine 1027 with histidine.
Molecular consequence: missense variant.
Genome position (GRCh38, 1-based): chr5:112,838,673, T>C. VCF-style: chr5-112838673-T-C. GRCh37 (hg19) VCF-style: chr5-112174370-T-C.
Other names: c.3079T>C, p.Tyr1027His (NM_001127510.3, NM_001354895.2); c.3025T>C, p.Tyr1009His (NM_001127511.3); c.3133T>C, p.Tyr1045His (NM_001354896.2); c.3109T>C, p.Tyr1037His (NM_001354897.2); c.3004T>C, p.Tyr1002His (NM_001354898.2); c.2995T>C, p.Tyr999His (NM_001354899.2); c.2956T>C, p.Tyr986His (NM_001354900.2); c.2902T>C, p.Tyr968His (NM_001354901.2); and 5 more; short protein forms Y1009H, Y1027H, Y1045H, Y986H, Y1037H, Y744H, Y867H, Y936H.
Identifiers: ClinVar variation 141253 (VCV000141253.9), dbSNP rs587781605, ClinGen allele CA008031.

ClinVar aggregate classification (germline): Uncertain significance. Review status: criteria provided, multiple submitters, no conflicts (2 of 4 stars). 2 submissions from 2 submitters: Uncertain significance (2). Last evaluated 2023-12-29.

Conditions:
Hereditary cancer-predisposing syndrome. Also called: Neoplastic Syndromes, Hereditary; Tumor predisposition; Hereditary Cancer Syndrome; Hereditary neoplastic syndrome. Identifiers: Orphanet 140162, MedGen C0027672, MeSH D009386, MONDO:0015356.
Familial adenomatous polyposis 1 (FAP1). Also called: FAMILIAL ADENOMATOUS POLYPOSIS 1, ATTENUATED; POLYPOSIS, ADENOMATOUS INTESTINAL. Identifiers: MedGen C2713442, MONDO:0021056, OMIM 175100. Disease mechanism: loss of function.

Submissions (2):

Ambry Genetics
Classification: Uncertain significance for Hereditary cancer-predisposing syndrome. Last evaluated: 2023-12-29. Review status: criteria provided, single submitter. Criteria: Ambry Variant Classification Scheme 2023. Collection method: clinical testing. Allele origin: germline.
Comment: The p.Y1027H variant (also known as c.3079T>C), located in coding exon 15 of the APC gene, results from a T to C substitution at nucleotide position 3079. The tyrosine at codon 1027 is replaced by histidine, an amino acid with similar properties. This amino acid position is highly conserved in available vertebrate species. In addition, in silico predictors for this gene do not accurately predict pathogenicity. Since supporting evidence is limited at this time, the clinical significance of this alteration remains unclear.

Labcorp Genetics (formerly Invitae), Labcorp
Classification: Uncertain significance for Familial adenomatous polyposis 1. Last evaluated: 2022-06-21. Review status: criteria provided, single submitter. Criteria: Invitae Variant Classification Sherloc (09022015). Collection method: clinical testing. Allele origin: germline.
Comment: This variant is not present in population databases (gnomAD no frequency). This sequence change replaces tyrosine, which is neutral and polar, with histidine, which is basic and polar, at codon 1027 of the APC protein (p.Tyr1027His). This variant has not been reported in the literature in individuals affected with APC-related conditions. ClinVar contains an entry for this variant (Variation ID: 141253). Advanced modeling of protein sequence and biophysical properties (such as structural, functional, and spatial information, amino acid conservation, physicochemical variation, residue mobility, and thermodynamic stability) performed at Invitae indicates that this missense variant is expected to disrupt APC protein function. In summary, the available evidence is currently insufficient to determine the role of this variant in disease. Therefore, it has been classified as a Variant of Uncertain Significance.